The following is an entry in ClinVar:

ClinVar aggregate classification (germline): Benign (1 of 4 stars; one submission).

Conditions:
Familial cancer of breast. Also called: Hereditary breast cancer; hereditary breast carcinoma; BREAST CANCER, FAMILIAL. Identifiers: Orphanet 227535, MedGen C0346153, MONDO:0016419, OMIM 114480. Disease mechanism: loss of function.

Submission:

Myriad Genetics, Inc.
Classification: Benign for Familial cancer of breast. Last evaluated: 2025-01-14. Review status: criteria provided, single submitter. Criteria: Myriad Autosomal Dominant, Autosomal Recessive and X-Linked Classification Criteria (2023). Collection method: clinical testing. Allele origin: unknown.
Comment: This variant is considered benign. This variant is a silent/synonymous amino acid change and it is not expected to impact splicing.

NM_024675.4(PALB2):c.1788A>G (p.Gly596=)

Gene: PALB2 (partner and localizer of BRCA2; minus strand). Cytogenetic location: 16p12.2.
Variant type: single nucleotide variant.
Coding change: c.1788A>G on transcript NM_024675.4 (MANE Select); coding-DNA position 1788, A replaced by G.
Protein change: p.Gly596=; no amino-acid change (glycine 596 retained).
Molecular consequence: synonymous variant. On other transcripts: 5 prime UTR variant (2), intron variant (1).
Genome position (GRCh38, 1-based): chr16:23,630,366, T>C on the plus strand (A>G on the coding strand, the complement: PALB2 is on the minus strand). VCF-style: chr16-23630366-T-C. GRCh37 (hg19) VCF-style: chr16-23641687-T-C.
Other names: c.1728A>G, p.Gly576= (NM_001407296.1); c.1788A>G, p.Gly596= (NM_001407297.1, NM_001407298.1, NM_001407299.1 and 3 more transcripts); c.903A>G, p.Gly301= (NM_001407304.1, NM_001407305.1, NM_001407306.1 and 5 more transcripts); c.-1A>G (NM_001407312.1, NM_001407313.1); c.49-1091A>G (NM_001407314.1).
Identifiers: ClinVar variation 3903761 (VCV003903761.1).